The following is an entry in ClinVar:

NM_001270.4(CHD1):c.3363G>T (p.Glu1121Asp)

Gene: CHD1 (chromodomain helicase DNA binding protein 1; minus strand). Cytogenetic location: 5q15.
Variant type: single nucleotide variant.
Coding change: c.3363G>T on transcript NM_001270.4 (MANE Select); coding-DNA position 3363, G replaced by T.
Protein change: p.Glu1121Asp; replaces glutamic acid 1121 with aspartic acid.
Molecular consequence: missense variant. On other transcripts: non-coding transcript variant (2).
Genome position (GRCh38, 1-based): chr5:98,876,433, C>A on the plus strand (G>T on the coding strand, the complement: CHD1 is on the minus strand). VCF-style: chr5-98876433-C-A. GRCh37 (hg19) VCF-style: chr5-98212137-C-A.
Other names: c.3363G>T, p.Glu1121Asp (NM_001364113.3, NM_001376194.2); short protein forms E1121D.
Identifiers: ClinVar variation 1314339 (VCV001314339.2), dbSNP rs747380543, ClinGen allele CA360524838.

ClinVar aggregate classification (germline): Uncertain significance (1 of 4 stars; one submission).

gnomAD v4.1: 1 of 1,613,994 alleles (0.000062%); highest among the groups gnomAD compares: Non-Finnish European, 0.000085%; no homozygotes.

Submission:

GeneDx
Classification: Uncertain significance. Last evaluated: 2021-04-06. Review status: criteria provided, single submitter. Criteria: GeneDx Variant Classification Process June 2021. Collection method: clinical testing. Allele origin: germline. Affected: yes.
Comment: Has not been previously published as pathogenic or benign to our knowledge; Not observed in large population cohorts (Lek et al., 2016); In silico analysis supports that this missense variant does not alter protein structure/function